The following is an entry in ClinVar:

NM_005732.4(RAD50):c.3706A>G (p.Asn1236Asp)

Genes: TH2-LCR (Th2 cytokine locus control region; plus strand), RAD50 (RAD50 double strand break repair protein; plus strand), TH2LCRR (T helper type 2 locus control region associated RNA; minus strand). Cytogenetic location: 5q31.1.
Variant type: single nucleotide variant.
Coding change: c.3706A>G on transcript NM_005732.4 (MANE Select); coding-DNA position 3706, A replaced by G.
Protein change: p.Asn1236Asp; replaces asparagine 1236 with aspartic acid.
Molecular consequence: missense variant.
Genome position (GRCh38, 1-based): chr5:132,640,759, A>G. VCF-style: chr5-132640759-A-G. GRCh37 (hg19) VCF-style: chr5-131976451-A-G.
Other names: short protein forms N1236D.
Identifiers: ClinVar variation 233797 (VCV000233797.15), dbSNP rs876660644, ClinGen allele CA10578616.

ClinVar aggregate classification (germline): Uncertain significance. Review status: criteria provided, multiple submitters, no conflicts (2 of 4 stars). 3 submissions from 3 submitters: Uncertain significance (3). Last evaluated 2024-05-22.

Conditions:
Hereditary cancer-predisposing syndrome. Also called: Neoplastic Syndromes, Hereditary; Tumor predisposition; Hereditary Cancer Syndrome; Hereditary neoplastic syndrome. Identifiers: Orphanet 140162, MedGen C0027672, MeSH D009386, MONDO:0015356.
Nijmegen breakage syndrome-like disorder (NBSLD). Also called: MICROCEPHALY AND SPONTANEOUS CHROMOSOME INSTABILITY WITHOUT IMMUNODEFICIENCY; NBS-LIKE DISORDER; RAD50 DEFICIENCY. Identifiers: Orphanet 240760, MedGen C2751318, MONDO:0013118, OMIM 613078.

Allele frequency attached by ClinVar (database versions not stated): gnomAD exomes below 0.00001.
gnomAD v4.1: 1 of 1,614,196 alleles (0.000062%); highest among the groups gnomAD compares: Non-Finnish European, 0.000085%; no homozygotes.

Submissions (3):

Fulgent Genetics
Classification: Uncertain significance for Nijmegen breakage syndrome-like disorder. Last evaluated: 2024-05-22. Review status: criteria provided, single submitter. Criteria: ACMG Guidelines, 2015. Collection method: clinical testing. Allele origin: germline.

Labcorp Genetics (formerly Invitae), Labcorp
Classification: Uncertain significance for Hereditary cancer-predisposing syndrome. Last evaluated: 2023-11-11. Review status: criteria provided, single submitter. Criteria: Invitae Variant Classification Sherloc (09022015). Collection method: clinical testing. Allele origin: germline.
Comment: This sequence change replaces asparagine, which is neutral and polar, with aspartic acid, which is acidic and polar, at codon 1236 of the RAD50 protein (p.Asn1236Asp). This variant is not present in population databases (gnomAD no frequency). This variant has not been reported in the literature in individuals affected with RAD50-related conditions. ClinVar contains an entry for this variant (Variation ID: 233797). Advanced modeling of protein sequence and biophysical properties (such as structural, functional, and spatial information, amino acid conservation, physicochemical variation, residue mobility, and thermodynamic stability) performed at Invitae indicates that this missense variant is expected to disrupt RAD50 protein function with a positive predictive value of 80%. In summary, the available evidence is currently insufficient to determine the role of this variant in disease. Therefore, it has been classified as a Variant of Uncertain Significance.

Ambry Genetics
Classification: Uncertain significance for Hereditary cancer-predisposing syndrome. Last evaluated: 2022-09-28. Review status: criteria provided, single submitter. Criteria: Ambry Variant Classification Scheme 2023. Collection method: clinical testing. Allele origin: germline.
Comment: The p.N1236D variant (also known as c.3706A>G), located in coding exon 24 of the RAD50 gene, results from an A to G substitution at nucleotide position 3706. The asparagine at codon 1236 is replaced by aspartic acid, an amino acid with highly similar properties. This amino acid position is highly conserved in available vertebrate species. In addition, the in silico prediction for this alteration is inconclusive. Since supporting evidence is limited at this time, the clinical significance of this alteration remains unclear.